The following is an entry in ClinVar:

NM_144670.6(A2ML1):c.1528A>G (p.Lys510Glu)

Gene: A2ML1 (alpha-2-macroglobulin like 1; plus strand). Cytogenetic location: 12p13.31.
Variant type: single nucleotide variant.
Coding change: c.1528A>G on transcript NM_144670.6 (MANE Select); coding-DNA position 1528, A replaced by G.
Protein change: p.Lys510Glu; replaces lysine 510 with glutamic acid.
Molecular consequence: missense variant.
Genome position (GRCh38, 1-based): chr12:8,845,493, A>G. VCF-style: chr12-8845493-A-G. GRCh37 (hg19) VCF-style: chr12-8998089-A-G.
Other names: c.55A>G, p.Lys19Glu (NM_001282424.3); short protein forms K510E, K19E.
Identifiers: ClinVar variation 4254998 (VCV004254998.1).

ClinVar aggregate classification (germline): Uncertain significance (1 of 4 stars; one submission).

gnomAD v4.1: 3 of 1,614,166 alleles (0.00019%); highest among the groups gnomAD compares: South Asian, 0.0011%; no homozygotes.

Submission:

Ambry Genetics
Classification: Uncertain significance. Last evaluated: 2025-07-21. Review status: criteria provided, single submitter. Criteria: Ambry Variant Classification Scheme 2023. Collection method: clinical testing. Allele origin: germline.
Comment: The p.K510E variant (also known as c.1528A>G), located in coding exon 13 of the A2ML1 gene, results from an A to G substitution at nucleotide position 1528. The lysine at codon 510 is replaced by glutamic acid, an amino acid with similar properties. This amino acid position is conserved. In addition, this alteration is predicted to be tolerated by in silico analysis. Based on the available evidence, the clinical significance of this variant remains unclear.